The following is an entry in ClinVar:

NM_000232.5(SGCB):c.835A>G (p.Ser279Gly)

Gene: SGCB (sarcoglycan beta; minus strand). Cytogenetic location: 4q12.
Variant type: single nucleotide variant.
Coding change: c.835A>G on transcript NM_000232.5 (MANE Select); coding-DNA position 835, A replaced by G.
Protein change: p.Ser279Gly; replaces serine 279 with glycine.
Molecular consequence: missense variant.
Genome position (GRCh38, 1-based): chr4:52,024,079, T>C on the plus strand (A>G on the coding strand, the complement: SGCB is on the minus strand). VCF-style: chr4-52024079-T-C. GRCh37 (hg19) VCF-style: chr4-52890245-T-C.
Other names: short protein forms S279G.
Identifiers: ClinVar variation 655654 (VCV000655654.9), dbSNP rs565410997, ClinGen allele CA2918262.
Genomic context (GRCh38, chr4:52,024,079, plus strand): 5'-GCACCTTGAAGAGCGTCCCATCAGCACACATGCAGAGCTTGTAGCGTACCCAGTCACCAC[T>C]ACCCAACTGGTCTCCACTGGAGGAACTGGGTAGGCGGGTGGTGCTGACCATCACAGATCC-3'
Protein context (NP_000223.1, residues 269-289): PSSSSGDQLG[Ser279Gly]GDWVRYKLCM

ClinVar aggregate classification (germline): Uncertain significance. Review status: criteria provided, single submitter (1 of 4 stars). 2 submissions from 2 submitters: Uncertain significance (1). 1 of the submissions does not count toward it. Last evaluated 2021-09-01.

Conditions:
Autosomal recessive limb-girdle muscular dystrophy type 2E (LGMDR4). Also called: MUSCULAR DYSTROPHY, LIMB-GIRDLE, AUTOSOMAL RECESSIVE 4. Identifiers: Orphanet 119, MedGen C1858593, MONDO:0011423, OMIM 604286. Disease mechanism: Affects gamma-sarcoglycan and also disrupts the integrity of the entire sarcoglycan complex..

Allele frequency attached by ClinVar (database versions not stated): ExAC 0.00001; gnomAD 0.00001; gnomAD exomes 0.00002 and 0.00003; 1000 Genomes Project 30x 0.00016; 1000 Genomes Project 0.00020.
gnomAD v4.1: 45 of 1,614,102 alleles (0.0028%); highest among the groups gnomAD compares: East Asian, 0.0067%; no homozygotes.

Submissions (2):

Labcorp Genetics (formerly Invitae), Labcorp
Classification: Uncertain significance for Autosomal recessive limb-girdle muscular dystrophy type 2E. Last evaluated: 2021-09-01. Review status: criteria provided, single submitter. Criteria: Invitae Variant Classification Sherloc (09022015). Collection method: clinical testing. Allele origin: germline.
Comment: This sequence change replaces serine with glycine at codon 279 of the SGCB protein (p.Ser279Gly). The serine residue is weakly conserved and there is a small physicochemical difference between serine and glycine. This variant is present in population databases (rs565410997, ExAC 0.001%). This variant has not been reported in the literature in individuals affected with SGCB-related conditions. Algorithms developed to predict the effect of missense changes on protein structure and function output the following: SIFT: "Tolerated"; PolyPhen-2: "Benign"; Align-GVGD: "Class C0". The glycine amino acid residue is found in multiple mammalian species, which suggests that this missense change does not adversely affect protein function. In summary, the available evidence is currently insufficient to determine the role of this variant in disease. Therefore, it has been classified as a Variant of Uncertain Significance.

Natera, Inc.
Classification: Uncertain significance for Limb-girdle muscular dystrophy type 2E. Last evaluated: 2020-07-27. Review status: no assertion criteria provided. Collection method: clinical testing. Allele origin: germline. Not counted in ClinVar's aggregate classification.